The following is an entry in ClinVar:

NM_000264.5(PTCH1):c.4030G>T (p.Ala1344Ser)

Gene: PTCH1 (patched 1; minus strand). Cytogenetic location: 9q22.32.
Variant type: single nucleotide variant.
Coding change: c.4030G>T on transcript NM_000264.5 (MANE Select); coding-DNA position 4030, G replaced by T.
Protein change: p.Ala1344Ser; replaces alanine 1344 with serine.
Molecular consequence: missense variant. On other transcripts: non-coding transcript variant (1).
Genome position (GRCh38, 1-based): chr9:95,447,226, C>A on the plus strand (G>T on the coding strand, the complement: PTCH1 is on the minus strand). VCF-style: chr9-95447226-C-A. GRCh37 (hg19) VCF-style: chr9-98209508-C-A.
Other names: c.3832G>T, p.Ala1278Ser (NM_001083602.3); c.4027G>T, p.Ala1343Ser (NM_001083603.3); c.3577G>T, p.Ala1193Ser (NM_001083604.3, NM_001083605.3, NM_001083606.3 and 1 more transcripts); c.3874G>T, p.Ala1292Ser (NM_001354918.2); short protein forms A1278S, A1344S, A1193S, A1292S, A1343S.
Identifiers: ClinVar variation 409159 (VCV000409159.14), dbSNP rs765017975, ClinGen allele CA5137974.

ClinVar aggregate classification (germline): Conflicting classifications of pathogenicity. Review status: criteria provided, conflicting classifications (1 of 4 stars). 2 submissions from 2 submitters: Uncertain significance (1); Benign (1). Last evaluated 2025-12-08.

Conditions:
Gorlin syndrome. Also called: Nevoid Basal Cell Carcinoma Syndrome; Basal cell nevus syndrome. Identifiers: Orphanet 377, MedGen C0004779, MONDO:0007187.
Hereditary cancer-predisposing syndrome. Also called: Hereditary neoplastic syndrome; Neoplastic Syndromes, Hereditary; Tumor predisposition; Hereditary Cancer Syndrome. Identifiers: Orphanet 140162, MedGen C0027672, MeSH D009386, MONDO:0015356.

Allele frequency attached by ClinVar (database versions not stated): gnomAD exomes below 0.00001 and 0.00001; ExAC 0.00002; gnomAD 0.00002; TOPMed 0.00002.

Submissions (2):

Labcorp Genetics (formerly Invitae), Labcorp
Classification: Benign for Gorlin syndrome. Last evaluated: 2025-12-08. Review status: criteria provided, single submitter. Criteria: Invitae Variant Classification Sherloc (09022015). Collection method: clinical testing. Allele origin: germline.

Ambry Genetics
Classification: Uncertain significance for Hereditary cancer-predisposing syndrome. Last evaluated: 2025-02-21. Review status: criteria provided, single submitter. Criteria: Ambry Variant Classification Scheme 2023. Collection method: clinical testing. Allele origin: germline.
Comment: The p.A1344S variant (also known as c.4030G>T), located in coding exon 23 of the PTCH1 gene, results from a G to T substitution at nucleotide position 4030. The alanine at codon 1344 is replaced by serine, an amino acid with similar properties. This amino acid position is not well conserved in available vertebrate species. In addition, this alteration is predicted to be tolerated by in silico analysis. Since supporting evidence is limited at this time, the clinical significance of this alteration remains unclear.